The following is an entry in ClinVar:

NC_012920.1(MT-TY):m.5874T>C

Gene: MT-TY (mitochondrially encoded tRNA tyrosine; minus strand).
Variant type: single nucleotide variant.
Genome position: chrM-5874-T-C.
Other names: 5874A-G.
Identifiers: ClinVar variation 9550 (VCV000009550.3), dbSNP rs118203891, ClinGen allele CA120538.
Genomic context (GRCh38, chrMT:5,874, plus strand): 5'-TCACCTCGGAGCTGGTAAAAAGAGGCCTAACCCCTGTCTTTAGATTTACAGTCCAATGCT[T>C]CACTCAGCCATTTTACCTCACCCCCACTGATGTTCGCCGACCGTTGACTATTCTCTACAA-3'

ClinVar aggregate classification (germline): Uncertain significance. Review status: reviewed by expert panel (3 of 4 stars). 2 submissions from 2 submitters: Uncertain significance (1). 1 of the submissions does not count toward it. Last evaluated 2024-06-10.

Conditions:
Mitochondrial disease. Also called: Mitochondrial disorder; Mitochondrial disorders. Identifiers: Orphanet 68380, MedGen C0751651, MeSH D028361, MONDO:0044970.
Exercise intolerance and complex III deficiency, somatic. Identifiers: MedGen C4016631.

Submissions (2):

ClinGen Mitochondrial Disease Nuclear and Mitochondrial  Variant Curation Expert Panel, ClinGen
Classification: Uncertain significance for Mitochondrial disease. Last evaluated: 2024-06-10. Review status: reviewed by expert panel. Criteria: clingen mito disease acmg specifications v1-1. Collection method: curation. Allele origin: germline. Inheritance: Mitochondrial inheritance.
Comment: The m.5874T>C variant in MT-TY has been reported in one individual with primary mitochondrial disease to date (PMIDs: 6095966, 11071502). The variant was present at 89% heteroplasmy in muscle and was absent in blood. There are no other individuals with this variant reported to our knowledge. This variant is absent in the GenBank dataset, Helix dataset, and gnomAD v3.1.2 (PM2_supporting). In silico predictors are conflicting as the computational predictor MitoTIP suggests this variant is benign (38.9 percentile) but HmtVAR predicts it to be deleterious with a score of 0.65. Single fiber testing showed higher levels of the variant in COX-negative fibers (92.3±6.7%; n=12) than in COX-positive fibers (29.9±11.8%; n=12; p<0.000001; PS3_supporting, PMID: 11071502). In summary, this variant meets criteria to be classified as uncertain significance for primary mitochondrial disease inherited in a mitochondrial manner. This classification was approved by the NICHD/NINDS U24 ClinGen Mitochondrial Disease Variant Curation Expert Panel on June 10, 2024. Mitochondrial DNA-specific ACMG/AMP criteria applied (PMID: 32906214): PS3_supporting, PM2_supporting.

OMIM
Classification: Pathogenic for EXERCISE INTOLERANCE AND COMPLEX III DEFICIENCY, SOMATIC. Last evaluated: 2000-10-24. Review status: no assertion criteria provided. Collection method: literature only. Allele origin: somatic. Not counted in ClinVar's aggregate classification.

Literature cited by the submitters: PubMed 11071502 (cited by ClinGen Mitochondrial Disease Nuclear and Mitochondrial  Variant Curation Expert Panel, ClinGen and OMIM); PubMed 6095966 (cited by ClinGen Mitochondrial Disease Nuclear and Mitochondrial  Variant Curation Expert Panel, ClinGen).